The following is an entry in ClinVar:

NM_001371623.1(TCOF1):c.3623T>A (p.Met1208Lys)

Gene: TCOF1 (treacle ribosome biogenesis factor 1; plus strand). Cytogenetic location: 5q32.
Variant type: single nucleotide variant.
Coding change: c.3623T>A on transcript NM_001371623.1 (MANE Select); coding-DNA position 3623, T replaced by A.
Protein change: p.Met1208Lys; replaces methionine 1208 with lysine.
Molecular consequence: missense variant.
Genome position (GRCh38, 1-based): chr5:150,393,391, T>A. VCF-style: chr5-150393391-T-A. GRCh37 (hg19) VCF-style: chr5-149772954-T-A.
Other names: c.3389T>A, p.Met1130Lys (NM_000356.4); c.3620T>A, p.Met1207Lys (NM_001135243.2); c.3509T>A, p.Met1170Lys (NM_001135244.2); c.3392T>A, p.Met1131Lys (NM_001135245.2); c.3506T>A, p.Met1169Lys (NM_001195141.2); short protein forms M1130K, M1207K, M1170K, M1131K, M1169K, M1208K.
Identifiers: ClinVar variation 352230 (VCV000352230.40), dbSNP rs139081024, ClinGen allele CA3511567.
Genomic context (GRCh38, chr5:150,393,391, plus strand): 5'-GGTGGGGTGGTGGCAGCCTCTTTCACAATGGGCTTCTTCAGTCTCTCCTCTCAGGTTATA[T>A]GACCCCTGGACTAACCCCAGCCAATTCCCAGGCCTCAAAAGCCACTCCCAAGCTAGACTC-3'
Protein context (NP_001358552.1, residues 1198-1218): APSQSLLSGY[Met1208Lys]TPGLTPANSQ

ClinVar aggregate classification (germline): Benign/Likely benign. Review status: criteria provided, multiple submitters, no conflicts (2 of 4 stars). 7 submissions from 7 submitters: Benign (3); Likely benign (1). 3 of the submissions do not count toward it. Last evaluated 2025-12-17.

Conditions:
Treacher Collins syndrome 1 (TCS1). Also called: TCOF1-Related Treacher Collins Syndrome. Identifiers: Orphanet 861, MedGen CN315775, MONDO:0007944, OMIM 154500.
TCOF1-related disorder. Also called: TCOF1-related condition.

Allele frequency attached by ClinVar (database versions not stated): 1000 Genomes Project 30x 0.00078; 1000 Genomes Project 0.00100; TOPMed 0.00112; ExAC 0.00114; gnomAD 0.00114 and 0.00116; gnomAD exomes 0.00114; ESP Exome Variant Server 0.00177.

Submissions (7):

Labcorp Genetics (formerly Invitae), Labcorp
Classification: Benign for Treacher Collins syndrome 1. Last evaluated: 2025-12-17. Review status: criteria provided, single submitter. Criteria: Invitae Variant Classification Sherloc (09022015). Collection method: clinical testing. Allele origin: germline.

CeGaT Center for Human Genetics Tuebingen
Classification: Benign. Last evaluated: 2025-06-01. Review status: criteria provided, single submitter. Criteria: CeGaT Center For Human Genetics Tuebingen Variant Classification Criteria Version 2. Collection method: clinical testing. Allele origin: germline. Affected: yes. Observed: 4 variant alleles.
Comment: TCOF1: BP4, BS1, BS2

Blueprint Genetics
Classification: Likely benign. Last evaluated: 2024-09-17. Review status: criteria provided, single submitter. Criteria: ACMG Guidelines, 2015. Collection method: clinical testing. Allele origin: germline.

GeneDx
Classification: Benign. Last evaluated: 2019-09-26. Review status: criteria provided, single submitter. Criteria: GeneDx Variant Classification Process June 2021. Collection method: clinical testing. Allele origin: germline. Affected: yes.
Comment: This variant is associated with the following publications: (PMID: 12114482, 30245029)

PreventionGenetics, part of Exact Sciences
Classification: Likely benign for TCOF1-related condition. Last evaluated: 2021-08-02. Review status: no assertion criteria provided. Collection method: clinical testing. Allele origin: germline. Not counted in ClinVar's aggregate classification.
Comment: This variant is classified as likely benign based on ACMG/AMP sequence variant interpretation guidelines (Richards et al. 2015 PMID: 25741868, with internal and published modifications).

Clinical Genetics DNA and cytogenetics Diagnostics Lab, Erasmus MC, Erasmus Medical Center
Classification: Likely benign. Review status: no assertion criteria provided. Collection method: clinical testing. Allele origin: germline. Affected: yes. Study: VKGL Data-share Consensus. Not counted in ClinVar's aggregate classification.

Laboratory of Diagnostic Genome Analysis, Leiden University Medical Center (LUMC)
Classification: Likely benign. Review status: no assertion criteria provided. Collection method: clinical testing. Allele origin: germline. Affected: yes. Study: VKGL Data-share Consensus. Not counted in ClinVar's aggregate classification.